The following is an entry in ClinVar:

ClinVar aggregate classification (germline): Likely benign. Review status: criteria provided, multiple submitters, no conflicts (2 of 4 stars). 2 submissions from 2 submitters: Likely benign (2). Last evaluated 2025-03-17.

Conditions:
Familial cancer of breast. Also called: Hereditary breast cancer; BREAST CANCER, FAMILIAL; hereditary breast carcinoma. Identifiers: Orphanet 227535, MedGen C0346153, MONDO:0016419, OMIM 114480. Disease mechanism: loss of function.

Submissions (2):

Labcorp Genetics (formerly Invitae), Labcorp
Classification: Likely benign for Familial cancer of breast. Last evaluated: 2025-03-17. Review status: criteria provided, single submitter. Criteria: Invitae Variant Classification Sherloc (09022015). Collection method: clinical testing. Allele origin: germline.

Myriad Genetics, Inc.
Classification: Likely benign for Familial cancer of breast. Last evaluated: 2025-01-21. Review status: criteria provided, single submitter. Criteria: Myriad Autosomal Dominant, Autosomal Recessive and X-Linked Classification Criteria (2023). Collection method: clinical testing. Allele origin: unknown.
Comment: This variant is considered likely benign. This variant is intronic and is not expected to impact mRNA splicing.

NM_024675.4(PALB2):c.3201+8A>G

Gene: PALB2 (partner and localizer of BRCA2; minus strand). Cytogenetic location: 16p12.2.
Variant type: single nucleotide variant.
Coding change: c.3201+8A>G on transcript NM_024675.4 (MANE Select); 8 bases into the intron after coding-DNA position 3201, A replaced by G.
Molecular consequence: intron variant.
Genome position (GRCh38, 1-based): chr16:23,613,996, T>C on the plus strand (A>G on the coding strand, the complement: PALB2 is on the minus strand). VCF-style: chr16-23613996-T-C. GRCh37 (hg19) VCF-style: chr16-23625317-T-C.
Identifiers: ClinVar variation 1088198 (VCV001088198.11), dbSNP rs1966633439, ClinGen allele CA2213432434.
Genomic context (GRCh38, chr16:23,613,996, plus strand): 5'-GACTTACTGCTCTCACTTAATGAGACCAACAGTAACACACAAAGTGGTCCCAGCCAGTCA[T>C]TACTTACCATTTCAGAATAGGCTTTGTGACAGACTGAAGCTTGGTAAGAATCATCAATGT-3'